The following is an entry in ClinVar:

ClinVar aggregate classification (germline): Likely pathogenic (0 of 4 stars; one submission).

Conditions:
Neuronal ceroid lipofuscinosis 3 (CLN3). Identifiers: Orphanet 228346, MedGen C0751383, MONDO:0008767, OMIM 204200.

Allele frequency attached by ClinVar (database versions not stated): TOPMed below 0.00001.

Submission:

Juha Muilu Group; Institute for Molecular Medicine Finland (FIMM)
Classification: Likely pathogenic for Juvenile neuronal ceroid lipofuscinosis. Review status: no assertion criteria provided. Collection method: not provided. Allele origin: unknown.
Comment: FinDis database variant: This variant was not found or characterized by our laboratory, data were collected from public sources: see reference
ClinVar note: Converted during submission from probable-pathogenic to Likely pathogenic.

NM_001042432.2(CLN3):c.302T>C (p.Leu101Pro)

Gene: CLN3 (CLN3 lysosomal/endosomal transmembrane protein, battenin; minus strand). Cytogenetic location: 16p12.1.
Variant type: single nucleotide variant.
Coding change: c.302T>C on transcript NM_001042432.2 (MANE Select); coding-DNA position 302, T replaced by C.
Protein change: p.Leu101Pro; replaces leucine 101 with proline.
Molecular consequence: missense variant. On other transcripts: intron variant (1).
Genome position (GRCh38, 1-based): chr16:28,487,734, A>G on the plus strand (T>C on the coding strand, the complement: CLN3 is on the minus strand). VCF-style: chr16-28487734-A-G. GRCh37 (hg19) VCF-style: chr16-28499055-A-G.
Other names: c.302T>C, p.Leu101Pro (NM_000086.2); c.230T>C, p.Leu77Pro (NM_001286104.2); c.68T>C, p.Leu23Pro (NM_001286109.2); c.140T>C, p.Leu47Pro (NM_001286110.2); c.75-193T>C (NM_001286105.2); short protein forms L101P, L23P, L47P, L77P.
Identifiers: ClinVar variation 56263 (VCV000056263.2), dbSNP rs386833714, ClinGen allele CA263656.